The following is an entry in ClinVar:

ClinVar aggregate classification (germline): Uncertain significance (1 of 4 stars; one submission).

Conditions:
Cardiovascular phenotype. Identifiers: MedGen CN230736.

gnomAD v4.1: 6 of 1,613,764 alleles (0.00037%); highest among the groups gnomAD compares: Admixed American, 0.01%; no homozygotes.

Submission:

Ambry Genetics
Classification: Uncertain significance for Cardiovascular phenotype. Last evaluated: 2023-03-26. Review status: criteria provided, single submitter. Criteria: Ambry Variant Classification Scheme 2023. Collection method: clinical testing. Allele origin: germline.
Comment: The p.R633T variant (also known as c.1898G>C), located in coding exon 12 of the NEXN gene, results from a G to C substitution at nucleotide position 1898. The arginine at codon 633 is replaced by threonine, an amino acid with similar properties. This amino acid position is conserved. In addition, the in silico prediction for this alteration is inconclusive. Since supporting evidence is limited at this time, the clinical significance of this alteration remains unclear.

NM_144573.4(NEXN):c.1898G>C (p.Arg633Thr)

Gene: NEXN (nexilin F-actin binding protein; plus strand). Cytogenetic location: 1p31.1.
Variant type: single nucleotide variant.
Coding change: c.1898G>C on transcript NM_144573.4 (MANE Select); coding-DNA position 1898, G replaced by C.
Protein change: p.Arg633Thr; replaces arginine 633 with threonine.
Molecular consequence: missense variant.
Genome position (GRCh38, 1-based): chr1:77,942,699, G>C. VCF-style: chr1-77942699-G-C. GRCh37 (hg19) VCF-style: chr1-78408384-G-C.
Other names: c.1706G>C, p.Arg569Thr (NM_001172309.2); short protein forms R633T, R569T.
Identifiers: ClinVar variation 2564018 (VCV002564018.2), dbSNP rs768461695, ClinGen allele CA919002.